The following is an entry in ClinVar:

NM_000038.6(APC):c.3714del (p.Ser1238fs)

Gene: APC (APC regulator of Wnt signaling pathway; plus strand). Cytogenetic location: 5q22.2.
Variant type: Deletion.
Coding change: c.3714del on transcript NM_000038.6 (MANE Select); coding-DNA position 3714, one base deleted (T; older notation c.3714delT).
Protein change: p.Ser1238fs; shifts the reading frame from serine 1238.
Molecular consequence: frameshift variant. On other transcripts: non-coding transcript variant (2).
Genome position (GRCh38, 1-based): chr5:112,839,308, T deleted. VCF-style (leftmost placement, unchanged base first): chr5-112839307-GT-G. GRCh37 (hg19) VCF-style: chr5-112175004-GT-G.
Other names: c.3411del, p.Ser1137fs (NM_001354903.2, NM_001407458.1, NM_001407459.1 and 1 more transcripts); c.3336del, p.Ser1112fs (NM_001354904.2); c.2865del, p.Ser955fs (NM_001354906.2, NM_001407470.1); c.3234del, p.Ser1078fs (NM_001354905.2); c.3798del, p.Ser1266fs (NM_001407446.1); c.3768del, p.Ser1256fs (NM_001407447.1, NM_001354896.2, NM_001407448.1 and 1 more transcripts); c.3714del, p.Ser1238fs (NM_001127510.3, NM_001354895.2, NM_001407450.1); c.3660del, p.Ser1220fs (NM_001127511.3); and 11 more; short protein forms S1078fs, S1109fs, S1112fs, S1137fs, S1147fs, S1155fs, S1179fs, S1197fs.
Identifiers: ClinVar variation 2583915 (VCV002583915.1), dbSNP rs2533518599, ClinGen allele CA645543594.

ClinVar aggregate classification (germline): Pathogenic (1 of 4 stars; one submission).

Conditions:
Familial adenomatous polyposis 1 (FAP1). Also called: FAMILIAL ADENOMATOUS POLYPOSIS 1, ATTENUATED; POLYPOSIS, ADENOMATOUS INTESTINAL. Identifiers: MedGen C2713442, MONDO:0021056, OMIM 175100. Disease mechanism: loss of function.

Submission:

Myriad Genetics, Inc.
Classification: Pathogenic for Familial adenomatous polyposis 1. Last evaluated: 2023-05-09. Review status: criteria provided, single submitter. Criteria: Myriad Autosomal Dominant, Autosomal Recessive and X-Linked Classification Criteria (2023). Collection method: clinical testing. Allele origin: unknown.
Comment: This variant is considered pathogenic. This variant creates a frameshift predicted to result in premature protein truncation.